The following is an entry in ClinVar:

NM_031935.3(HMCN1):c.15478G>A (p.Ala5160Thr)

Gene: HMCN1 (hemicentin 1; plus strand). Cytogenetic location: 1q31.1.
Variant type: single nucleotide variant.
Coding change: c.15478G>A on transcript NM_031935.3 (MANE Select); coding-DNA position 15478, G replaced by A.
Protein change: p.Ala5160Thr; replaces alanine 5160 with threonine.
Molecular consequence: missense variant.
Genome position (GRCh38, 1-based): chr1:186,166,846, G>A. VCF-style: chr1-186166846-G-A. GRCh37 (hg19) VCF-style: chr1-186135978-G-A.
Other names: short protein forms A5160T.
Identifiers: ClinVar variation 1935805 (VCV001935805.7), dbSNP rs759202617, ClinGen allele CA1295273.

ClinVar aggregate classification (germline): Uncertain significance. Review status: criteria provided, multiple submitters, no conflicts (2 of 4 stars). 3 submissions from 3 submitters: Uncertain significance (3). Last evaluated 2026-02-01.

Conditions:
Age related macular degeneration 1 (ARMD1). Also called: MACULOPATHY, AGE-RELATED, 1. Identifiers: MedGen C1864205, MONDO:0011285, OMIM 603075.

Allele frequency attached by ClinVar (database versions not stated): TOPMed 0.00001; ExAC 0.00002; gnomAD 0.00002.
gnomAD v4.1: 25 of 1,614,030 alleles (0.0015%); highest among the groups gnomAD compares: African/African-American, 0.0067%; no homozygotes.

Submissions (3):

Labcorp Genetics (formerly Invitae), Labcorp
Classification: Uncertain significance. Last evaluated: 2026-02-01. Review status: criteria provided, single submitter. Criteria: Invitae Variant Classification Sherloc (09022015). Collection method: clinical testing. Allele origin: germline.
Comment: This sequence change replaces alanine, which is neutral and non-polar, with threonine, which is neutral and polar, at codon 5160 of the HMCN1 protein (p.Ala5160Thr). This variant is present in population databases (rs759202617, gnomAD 0.004%). This variant has not been reported in the literature in individuals affected with HMCN1-related conditions. ClinVar contains an entry for this variant (Variation ID: 1935805). An algorithm developed to predict the effect of missense changes on protein structure and function outputs the following: PolyPhen-2: "Benign". The threonine amino acid residue is found in multiple mammalian species, which suggests that this missense change does not adversely affect protein function. In summary, the available evidence is currently insufficient to determine the role of this variant in disease. Therefore, it has been classified as a Variant of Uncertain Significance.

Genome-Nilou Lab
Classification: Uncertain significance for Age related macular degeneration 1. Last evaluated: 2023-04-11. Review status: criteria provided, single submitter. Criteria: ACMG Guidelines, 2015. Collection method: clinical testing. Allele origin: germline. Affected: no.

Ambry Genetics
Classification: Uncertain significance. Last evaluated: 2021-08-16. Review status: criteria provided, single submitter. Criteria: Ambry Variant Classification Scheme 2023. Collection method: clinical testing. Allele origin: germline.